The following is an entry in ClinVar:

NM_030665.4(RAI1):c.3349G>A (p.Val1117Met)

Gene: RAI1 (retinoic acid induced 1; plus strand). Cytogenetic location: 17p11.2.
Variant type: single nucleotide variant.
Coding change: c.3349G>A on transcript NM_030665.4 (MANE Select); coding-DNA position 3349, G replaced by A.
Protein change: p.Val1117Met; replaces valine 1117 with methionine.
Molecular consequence: missense variant.
Genome position (GRCh38, 1-based): chr17:17,796,297, G>A. VCF-style: chr17-17796297-G-A. GRCh37 (hg19) VCF-style: chr17-17699611-G-A.
Other names: c.3349G>A (NM_030665.3); short protein forms V1117M.
Identifiers: ClinVar variation 2830537 (VCV002830537.5), dbSNP rs2508586593, ClinGen allele CA398553403.

ClinVar aggregate classification (germline): Uncertain significance. Review status: criteria provided, multiple submitters, no conflicts (2 of 4 stars). 3 submissions from 3 submitters: Uncertain significance (3). Last evaluated 2026-09-18.

Conditions:
Inborn genetic diseases. Identifiers: MedGen C0950123, MeSH D030342.
RAI1-related disorder. Also called: RAI1-related condition.

Submissions (3):

PreventionGenetics, part of Exact Sciences
Classification: Uncertain significance for RAI1-related condition. Last evaluated: 2026-09-18. Review status: criteria provided, single submitter. Criteria: ACMG Guidelines, 2015. Collection method: clinical testing. Allele origin: germline.
Comment: The RAI1 c.3349G>A variant is predicted to result in the amino acid substitution p.Val1117Met. To our knowledge, this variant has not been reported in the literature or in a large population database (gnomAD), indicating this variant is rare. At this time, the clinical significance of this variant is uncertain due to the absence of conclusive functional and genetic evidence.

Ambry Genetics
Classification: Uncertain significance for Inborn genetic diseases. Last evaluated: 2024-04-08. Review status: criteria provided, single submitter. Criteria: Ambry Variant Classification Scheme 2023. Collection method: clinical testing. Allele origin: germline.

Labcorp Genetics (formerly Invitae), Labcorp
Classification: Uncertain significance. Last evaluated: 2023-10-08. Review status: criteria provided, single submitter. Criteria: Invitae Variant Classification Sherloc (09022015). Collection method: clinical testing. Allele origin: germline.
Comment: This sequence change replaces valine, which is neutral and non-polar, with methionine, which is neutral and non-polar, at codon 1117 of the RAI1 protein (p.Val1117Met). This variant is not present in population databases (gnomAD no frequency). This variant has not been reported in the literature in individuals affected with RAI1-related conditions. Advanced modeling of protein sequence and biophysical properties (such as structural, functional, and spatial information, amino acid conservation, physicochemical variation, residue mobility, and thermodynamic stability) performed at Invitae indicates that this missense variant is not expected to disrupt RAI1 protein function. In summary, the available evidence is currently insufficient to determine the role of this variant in disease. Therefore, it has been classified as a Variant of Uncertain Significance.